The following is an entry in ClinVar:

ClinVar aggregate classification (germline): Uncertain significance (1 of 4 stars; one submission).

Allele frequency attached by ClinVar (database versions not stated): ExAC 0.00001; gnomAD 0.00001; gnomAD exomes 0.00001; TOPMed 0.00003.
gnomAD v4.1: 14 of 1,613,960 alleles (0.00087%); highest among the groups gnomAD compares: East Asian, 0.0067%; no homozygotes.

Submission:

Clinical Genomics Laboratory, Washington University in St. Louis
Classification: Uncertain significance. Last evaluated: 2024-02-19. Review status: criteria provided, single submitter. Criteria: ACMG Guidelines, 2015. Collection method: clinical testing. Allele origin: germline.
Comment: The TJP1 c.4334C>T (p.Ala1445Val) variant, to our knowledge, is not reported in the medical literature and is only observed on 3/280,940 alleles in the general population (gnomAD v2.1.1), indicating it is not a common variant. Due to limited information, the clinical significance of the TJP1 c.4334C>T (p.Ala1445Val) variant is uncertain at this time.

NM_001330239.4(TJP1):c.4334C>T (p.Ala1445Val)

Gene: TJP1 (tight junction protein 1; minus strand). Cytogenetic location: 15q13.1.
Variant type: single nucleotide variant.
Coding change: c.4334C>T on transcript NM_001330239.4 (MANE Select); coding-DNA position 4334, C replaced by T.
Protein change: p.Ala1445Val; replaces alanine 1445 with valine.
Molecular consequence: missense variant.
Genome position (GRCh38, 1-based): chr15:29,710,869, G>A on the plus strand (C>T on the coding strand, the complement: TJP1 is on the minus strand). VCF-style: chr15-29710869-G-A. GRCh37 (hg19) VCF-style: chr15-30003073-G-A.
Other names: c.4613C>T, p.Ala1538Val (NM_001301025.3, NM_001355012.2); c.4106C>T, p.Ala1369Val (NM_001301026.2); c.4346C>T, p.Ala1449Val (NM_001355013.1); c.4334C>T, p.Ala1445Val (NM_001355014.2, NM_003257.5); c.4094C>T, p.Ala1365Val (NM_001355015.2, NM_175610.4); short protein forms A1365V, A1369V, A1445V, A1449V, A1538V.
Identifiers: ClinVar variation 3237415 (VCV003237415.1), dbSNP rs768226786.